The following is an entry in ClinVar:

ClinVar aggregate classification (germline): Likely benign (1 of 4 stars; one submission).

Allele frequency attached by ClinVar (database versions not stated): gnomAD exomes 0.00014; ExAC 0.00043; 1000 Genomes Project 30x 0.00094; 1000 Genomes Project 0.00100; ESP Exome Variant Server 0.00114; gnomAD 0.00129; TOPMed 0.00141.
gnomAD v4.1: 368 of 1,546,240 alleles (0.024%); highest among the groups gnomAD compares: African/African-American, 0.46%; 11 homozygotes.

Submission:

CeGaT Center for Human Genetics Tuebingen
Classification: Likely benign. Last evaluated: 2023-01-01. Review status: criteria provided, single submitter. Criteria: CeGaT Center For Human Genetics Tuebingen Variant Classification Criteria Version 2. Collection method: clinical testing. Allele origin: germline. Affected: yes. Observed: 1 variant allele.
Comment: MUC5B: BP4, BS2

NM_002458.3(MUC5B):c.6599G>A (p.Arg2200Gln)

Genes: MUC5B (mucin 5B, oligomeric mucus/gel-forming; plus strand), MUC5B-AS1 (MUC5B antisense RNA 1; minus strand). Cytogenetic location: 11p15.5.
Variant type: single nucleotide variant.
Coding change: c.6599G>A on transcript NM_002458.3 (MANE Select); coding-DNA position 6599, G replaced by A.
Protein change: p.Arg2200Gln; replaces arginine 2200 with glutamine.
Molecular consequence: missense variant.
Genome position (GRCh38, 1-based): chr11:1,243,479, G>A. VCF-style: chr11-1243479-G-A. GRCh37 (hg19) VCF-style: chr11-1264709-G-A.
Other names: short protein forms R2200Q.
Identifiers: ClinVar variation 2641221 (VCV002641221.24), dbSNP rs372137722, ClinGen allele CA5806057.